The following is an entry in ClinVar:

ClinVar aggregate classification (germline): Conflicting classifications of pathogenicity. Review status: criteria provided, conflicting classifications (1 of 4 stars). 3 submissions from 3 submitters: Uncertain significance (2); Likely benign (1). Last evaluated 2026-06-23.

Conditions:
KMT2D-related disorder. Also called: KMT2D-Related Disorders.
Kabuki syndrome. Also called: Kabuki make-up syndrome; NIIKAWA-KUROKI SYNDROME. Identifiers: Orphanet 2322, MedGen C0796004, MONDO:0016512.
Inborn genetic diseases. Identifiers: MedGen C0950123, MeSH D030342.

Allele frequency attached by ClinVar (database versions not stated): gnomAD 0.00001; TOPMed 0.00002; gnomAD exomes below 0.00001.
gnomAD v4.1: 3 of 1,613,770 alleles (0.00019%); highest among the groups gnomAD compares: Admixed American, 0.0033%; no homozygotes.

Submissions (3):

PreventionGenetics, part of Exact Sciences
Classification: Uncertain significance for KMT2D-related condition. Last evaluated: 2026-06-23. Review status: criteria provided, single submitter. Criteria: ACMG Guidelines, 2015. Collection method: clinical testing. Allele origin: germline.
Comment: The KMT2D c.5655G>T variant is predicted to result in the amino acid substitution p.Lys1885Asn. This variant has been reported along with another KMT2D variant, and other variants in congenital heart disease candidate genes, in an individual with tetralogy of fallot (Data Set 4, Sierant et al. 2025. PubMed ID: 40127276). This variant is reported in 0.00089% of alleles in individuals of European (Non-Finnish) descent in gnomAD. At this time, the clinical significance of this variant is uncertain due to the absence of conclusive functional and genetic evidence.

Ambry Genetics
Classification: Uncertain significance for Inborn genetic diseases. Last evaluated: 2025-09-21. Review status: criteria provided, single submitter. Criteria: Ambry Variant Classification Scheme 2023. Collection method: clinical testing. Allele origin: germline.

Labcorp Genetics (formerly Invitae), Labcorp
Classification: Likely benign for Kabuki syndrome. Last evaluated: 2024-08-30. Review status: criteria provided, single submitter. Criteria: Invitae Variant Classification Sherloc (09022015). Collection method: clinical testing. Allele origin: germline.

NM_003482.4(KMT2D):c.5655G>T (p.Lys1885Asn)

Gene: KMT2D (lysine methyltransferase 2D; minus strand). Cytogenetic location: 12q13.12.
Variant type: single nucleotide variant.
Coding change: c.5655G>T on transcript NM_003482.4 (MANE Select); coding-DNA position 5655, G replaced by T.
Protein change: p.Lys1885Asn; replaces lysine 1885 with asparagine.
Molecular consequence: missense variant.
Genome position (GRCh38, 1-based): chr12:49,042,868, C>A on the plus strand (G>T on the coding strand, the complement: KMT2D is on the minus strand). VCF-style: chr12-49042868-C-A. GRCh37 (hg19) VCF-style: chr12-49436651-C-A.
Other names: c.5655G>T (NM_003482.3); short protein forms K1885N.
Identifiers: ClinVar variation 1460576 (VCV001460576.9), dbSNP rs1440549868, ClinGen allele CA384629394.